The following is an entry in ClinVar:

NM_001370298.3(FGD4):c.1078A>C (p.Asn360His)

Gene: FGD4 (FYVE, RhoGEF and PH domain containing 4; plus strand). Cytogenetic location: 12p11.21.
Variant type: single nucleotide variant.
Coding change: c.1078A>C on transcript NM_001370298.3 (MANE Select); coding-DNA position 1078, A replaced by C.
Protein change: p.Asn360His; replaces asparagine 360 with histidine.
Molecular consequence: missense variant. On other transcripts: 5 prime UTR variant (2).
Genome position (GRCh38, 1-based): chr12:32,598,563, A>C. VCF-style: chr12-32598563-A-C. GRCh37 (hg19) VCF-style: chr12-32751497-A-C.
Other names: c.922A>C, p.Asn308His (NM_001304481.2); c.-178A>C (NM_001304483.2); c.-485A>C (NM_001304484.2); c.388A>C, p.Asn130His (NM_001330373.2, NM_001330374.2, NM_001384130.1); c.115A>C, p.Asn39His (NM_001370297.1); c.1078A>C, p.Asn360His (NM_001384126.1); c.667A>C, p.Asn223His (NM_001384127.1, NM_001384128.1, NM_001385118.1 and 1 more transcripts); short protein forms N223H, N308H, N39H, N130H, N360H.
Identifiers: ClinVar variation 188310 (VCV000188310.7), dbSNP rs761788290, ClinGen allele CA334580.
Genomic context (GRCh38, chr12:32,598,563, plus strand): 5'-AATGAGCAAAAACTTCACAAAATAGCCAATGAACTTTTGCTTACTGAAAGAGCTTATGTC[A>C]ACCGACTTGACCTCTTAGATCAGGTAAGATTTTCTTTCTCAGAATTATTTTATATTTTGG-3'
Protein context (NP_001357227.2, residues 350-370): ELLLTERAYV[Asn360His]RLDLLDQVFY

ClinVar aggregate classification (germline): Uncertain significance. Review status: criteria provided, multiple submitters, no conflicts (2 of 4 stars). 2 submissions from 2 submitters: Uncertain significance (2). Last evaluated 2024-12-31.

Conditions:
Inborn genetic diseases. Identifiers: MedGen C0950123, MeSH D030342.
Charcot-Marie-Tooth disease type 4. Also called: Charcot-Marie-Tooth disease, type IV; Charcot-Marie-Tooth, Type 4. Identifiers: Orphanet 64749, MedGen C4082197, MONDO:0018995.

Allele frequency attached by ClinVar (database versions not stated): ExAC 0.00001; gnomAD exomes below 0.00001; gnomAD 0.00006; TOPMed 0.00008.

Submissions (2):

Ambry Genetics
Classification: Uncertain significance for Inborn genetic diseases. Last evaluated: 2024-12-31. Review status: criteria provided, single submitter. Criteria: Ambry Variant Classification Scheme 2023. Collection method: clinical testing. Allele origin: germline.

Labcorp Genetics (formerly Invitae), Labcorp
Classification: Uncertain significance for Charcot-Marie-Tooth disease type 4. Last evaluated: 2022-07-19. Review status: criteria provided, single submitter. Criteria: Invitae Variant Classification Sherloc (09022015). Collection method: clinical testing. Allele origin: germline.
Comment: This sequence change replaces asparagine, which is neutral and polar, with histidine, which is basic and polar, at codon 223 of the FGD4 protein (p.Asn223His). This variant is present in population databases (rs761788290, gnomAD 0.007%). This variant has not been reported in the literature in individuals affected with FGD4-related conditions. ClinVar contains an entry for this variant (Variation ID: 188310). Algorithms developed to predict the effect of missense changes on protein structure and function are either unavailable or do not agree on the potential impact of this missense change (SIFT: "Deleterious"; PolyPhen-2: "Benign"; Align-GVGD: "Class C15"). In summary, the available evidence is currently insufficient to determine the role of this variant in disease. Therefore, it has been classified as a Variant of Uncertain Significance.